The following is an entry in ClinVar:

ClinVar aggregate classification (germline): Conflicting classifications of pathogenicity. Review status: criteria provided, conflicting classifications (1 of 4 stars). 13 submissions from 11 submitters: Uncertain significance (9); Likely benign (3). 1 of the submissions does not count toward it. Last evaluated 2026-08-11.

Conditions:
MYO7A-related disorder. Also called: MYO7A-related disorders.
Retinal dystrophy. Also called: Inherited retinal dystrophy. Identifiers: Orphanet 71862, MedGen C0854723, MeSH D058499, MONDO:0019118, HP:0000556.
Autosomal recessive nonsyndromic hearing loss 2. Also called: DEAFNESS, AUTOSOMAL RECESSIVE 2; NEUROSENSORY NONSYNDROMIC RECESSIVE DEAFNESS 2. Identifiers: Orphanet 90636, MedGen C1838701, MONDO:0010807, OMIM 600060.
Autosomal dominant nonsyndromic hearing loss 11. Identifiers: Orphanet 90635, MedGen C1832475, MONDO:0011032, OMIM 601317.
Usher syndrome type 1 (USH1). Also called: RETINITIS PIGMENTOSA AND CONGENITAL DEAFNESS. Identifiers: Orphanet 231169, Orphanet 886, MedGen C1568247, MONDO:0010168, OMIM 276900.
Usher syndrome type 1B (USH1B). Also called: Usher syndrome type IB. Identifiers: MedGen C1848638, MONDO:0700087.

Allele frequency attached by ClinVar (database versions not stated): ExAC 0.00034; ESP Exome Variant Server 0.00024; gnomAD exomes 0.00056 and 0.00031; gnomAD 0.00036; TOPMed 0.00041.
gnomAD v4.1: 863 of 1,613,730 alleles (0.053%); highest among the groups gnomAD compares: Non-Finnish European, 0.067%; 2 homozygotes.

Submissions (13):

PreventionGenetics, part of Exact Sciences
Classification: Uncertain significance for MYO7A-related condition. Last evaluated: 2026-08-11. Review status: criteria provided, single submitter. Criteria: ACMG Guidelines, 2015. Collection method: clinical testing. Allele origin: germline.
Comment: The MYO7A c.449G>A variant is predicted to result in the amino acid substitution p.Arg150Gln. This variant has been reported in a patient with intellectual disability, although other potentially causative variants in other genes were also present (Table 3A, Salfati et al. 2019. PubMed ID: 31847883). To our knowledge, this variant has not been reported in a patient with a MYO7A-related disorder. This variant is reported in 0.051% of alleles in individuals of European (Non-Finnish) descent in gnomAD, including two homozygotes in the larger gnomAD v4.1.1 database. Although we suspect that this variant may be benign, at this time, the clinical significance of this variant is uncertain due to the absence of conclusive functional and genetic evidence.

CeGaT Center for Human Genetics Tuebingen
Classification: Likely benign. Last evaluated: 2026-08-01. Review status: criteria provided, single submitter. Criteria: CeGaT Center For Human Genetics Tuebingen Variant Classification Criteria Version 2. Collection method: clinical testing. Allele origin: germline. Affected: yes. Observed: 2 variant alleles.
Comment: MYO7A: BP4

GeneDx
Classification: Uncertain significance. Last evaluated: 2026-04-03. Review status: criteria provided, single submitter. Criteria: GeneDx Variant Classification Process June 2021. Collection method: clinical testing. Allele origin: germline.
Comment: In silico analysis suggests that this missense variant does not alter protein structure/function; Has not been previously published as pathogenic or benign in association with a MYO7A-related disorder to our knowledge; This variant is associated with the following publications: (PMID: 31847883)

Labcorp Genetics (formerly Invitae), Labcorp
Classification: Likely benign. Last evaluated: 2026-02-01. Review status: criteria provided, single submitter. Criteria: Invitae Variant Classification Sherloc (09022015). Collection method: clinical testing. Allele origin: germline.

Blueprint Genetics
Classification: Likely benign. Last evaluated: 2024-11-26. Review status: criteria provided, single submitter. Criteria: ACMG Guidelines, 2015. Collection method: clinical testing. Allele origin: germline.

Department of Pathology and Laboratory Medicine, Sinai Health System
Classification: Uncertain significance for Usher syndrome type 1; Autosomal recessive nonsyndromic hearing loss 2; Autosomal dominant nonsyndromic hearing loss 11. Last evaluated: 2023-11-08. Review status: criteria provided, single submitter. Criteria: ACMG Guidelines, 2015. Collection method: research. Allele origin: germline.

Institute of Human Genetics, Univ. Regensburg, Univ. Regensburg
Classification: Uncertain significance for Retinal dystrophy. Last evaluated: 2023-01-01. Review status: criteria provided, single submitter. Criteria: ACMG Guidelines, 2015. Collection method: clinical testing. Allele origin: germline. Affected: yes.

Fulgent Genetics
Classification: Uncertain significance for Usher syndrome type 1; Autosomal recessive nonsyndromic hearing loss 2; Autosomal dominant nonsyndromic hearing loss 11. Last evaluated: 2018-10-31. Review status: criteria provided, single submitter. Criteria: ACMG Guidelines, 2015. Collection method: clinical testing. Allele origin: unknown.

Laboratory for Molecular Medicine, Mass General Brigham Personalized Medicine
Classification: Uncertain significance. Last evaluated: 2018-03-06. Review status: criteria provided, single submitter. Criteria: LMM Criteria. Collection method: clinical testing. Allele origin: germline. Observed: 4 variant alleles.
Comment: Variant classified as Uncertain Significance - Favor Benign. The p.Arg150Gln var iant in MYO7A has been previously identified by our laboratory in 3 individuals with hearing loss, none of whom carried a variant on the other copy of MYO7A. Fu rthermore, one of these individuals had a variant in a different gene that was s ufficient to explain their hearing loss. This variant has also been identified i n 0.05% (65/126624) of European chromosomes by the Genome Aggregation Database ( gnomAD; dbSNP rs202245413). Although this vari ant has been seen in the general population, its frequency is not high enough to rule out a pathogenic role. Computational prediction tools and conservation ana lysis suggest that the variant may not impact the protein, though this informati on is not predictive enough to rule out pathogenicity. In summary, while the cli nical significance of the p.Arg150Gln variant is uncertain, these data suggest t hat it is more likely to be benign. ACMG/AMP Criteria applied: BP4.

Illumina Laboratory Services, Illumina
Classification: Uncertain significance for Autosomal recessive nonsyndromic hearing loss 2. Last evaluated: 2017-04-27. Review status: criteria provided, single submitter. Criteria: ICSL Variant Classification Criteria 13 December 2019. Collection method: clinical testing. Allele origin: germline.

Illumina Laboratory Services, Illumina
Classification: Uncertain significance for Autosomal dominant nonsyndromic hearing loss 11. Last evaluated: 2017-04-27. Review status: criteria provided, single submitter. Criteria: ICSL Variant Classification Criteria 13 December 2019. Collection method: clinical testing. Allele origin: germline.

Illumina Laboratory Services, Illumina
Classification: Uncertain significance for Usher syndrome type 1. Last evaluated: 2017-04-27. Review status: criteria provided, single submitter. Criteria: ICSL Variant Classification Criteria 13 December 2019. Collection method: clinical testing. Allele origin: germline.

Natera, Inc.
Classification: Uncertain significance for Usher syndrome type 1B. Last evaluated: 2020-09-16. Review status: no assertion criteria provided. Collection method: clinical testing. Allele origin: germline. Not counted in ClinVar's aggregate classification.

Literature cited by the submitters: PubMed 31847883 (cited by Institute of Human Genetics, Univ. Regensburg, Univ. Regensburg).

NM_000260.4(MYO7A):c.449G>A (p.Arg150Gln)

Gene: MYO7A (myosin VIIA; plus strand). Cytogenetic location: 11q13.5.
Variant type: single nucleotide variant.
Coding change: c.449G>A on transcript NM_000260.4 (MANE Select); coding-DNA position 449, G replaced by A.
Protein change: p.Arg150Gln; replaces arginine 150 with glutamine.
Molecular consequence: missense variant.
Genome position (GRCh38, 1-based): chr11:77,156,070, G>A. VCF-style: chr11-77156070-G-A. GRCh37 (hg19) VCF-style: chr11-76867116-G-A.
Other names: c.449G>A, p.Arg150Gln (NM_001127180.2); c.416G>A, p.Arg139Gln (NM_001369365.1); short protein forms R150Q, R139Q.
Identifiers: ClinVar variation 43244 (VCV000043244.49), dbSNP rs202245413, ClinGen allele CA132330.